The following is an entry in ClinVar:

NM_194248.3(OTOF):c.3400C>T (p.Arg1134Ter)

Gene: OTOF (otoferlin; minus strand). Cytogenetic location: 2p23.3.
Variant type: single nucleotide variant.
Coding change: c.3400C>T on transcript NM_194248.3 (MANE Select); coding-DNA position 3400, C replaced by T.
Protein change: p.Arg1134Ter; replaces arginine 1134 with a stop codon.
Molecular consequence: nonsense.
Genome position (GRCh38, 1-based): chr2:26,473,999, G>A on the plus strand (C>T on the coding strand, the complement: OTOF is on the minus strand). VCF-style: chr2-26473999-G-A. GRCh37 (hg19) VCF-style: chr2-26696867-G-A.
Other names: c.3400C>T, p.Arg1134Ter (NM_001287489.2); c.1159C>T, p.Arg387Ter (NM_004802.4, NM_194323.3); c.1330C>T, p.Arg444Ter (NM_194322.3); short protein forms R1134*, R387*, R444*.
Identifiers: ClinVar variation 65798 (VCV000065798.17), dbSNP rs199848801, ClinGen allele CA345117.

ClinVar aggregate classification (germline): Pathogenic/Likely pathogenic. Review status: criteria provided, multiple submitters, no conflicts (2 of 4 stars). 10 submissions from 10 submitters: Pathogenic (7); Likely pathogenic (1). 2 of the submissions do not count toward it. Last evaluated 2026-09-02.

Conditions:
Monogenic hearing loss.
Autosomal recessive nonsyndromic hearing loss 9. Also called: NEUROSENSORY NONSYNDROMIC RECESSIVE DEAFNESS 9; Deafness, autosomal recessive 9; OTOF-Related Hearing Loss; AUDITORY NEUROPATHY, AUTOSOMAL RECESSIVE, 1, TEMPERATURE-SENSITIVE. Identifiers: Orphanet 90636, MedGen C1832828, MONDO:0010986, OMIM 601071.
Bilateral sensorineural hearing impairment. Also called: Bilateral sensorineural hearing loss. Identifiers: MedGen C0452138, HP:0008619.

Allele frequency attached by ClinVar (database versions not stated): TOPMed 0.00001; gnomAD exomes 0.00002; gnomAD 0.00001 and 0.00002.
gnomAD v4.1: 160 of 1,612,920 alleles (0.0099%); highest among the groups gnomAD compares: Non-Finnish European, 0.013%; no homozygotes.

Submissions (10):

Genetics Laboratory, Great Ormond Street Hospital NHS Foundation Trust, North Thames Genomic Laboratory Hub
Classification: Pathogenic for Monogenic hearing loss. Last evaluated: 2026-09-02. Review status: criteria provided, single submitter. Criteria: ACGS Best Practice Guidelines for Variant Classification in Rare Disease 2024 v1.2. Collection method: clinical testing. Allele origin: germline. Affected: yes.
Comment: PM2_moderate, PVS1_very-strong, PM3_moderate

Clinical Genetics Laboratory, University Hospital Schleswig-Holstein
Classification: Pathogenic for Autosomal recessive nonsyndromic hearing loss 9. Last evaluated: 2025-05-15. Review status: criteria provided, single submitter. Criteria: ACMG Guidelines, 2015. Collection method: clinical testing. Allele origin: germline. Affected: yes. Observed: 1 homozygote.
Comment: ACMG criteria applied: PM2, PM3, PVS1, PP4

Labcorp Genetics (formerly Invitae), Labcorp
Classification: Pathogenic. Last evaluated: 2024-03-24. Review status: criteria provided, single submitter. Criteria: Invitae Variant Classification Sherloc (09022015). Collection method: clinical testing. Allele origin: germline.
Comment: This sequence change creates a premature translational stop signal (p.Arg1134*) in the OTOF gene. It is expected to result in an absent or disrupted protein product. Loss-of-function variants in OTOF are known to be pathogenic (PMID: 18381613, 19250381, 22575033). This variant is present in population databases (rs199848801, gnomAD 0.004%). This premature translational stop signal has been observed in individuals with nonsyndromic deafness (PMID: 18381613, 26188103). ClinVar contains an entry for this variant (Variation ID: 65798). Algorithms developed to predict the effect of sequence changes on RNA splicing suggest that this variant may disrupt the consensus splice site. For these reasons, this variant has been classified as Pathogenic.

GeneDx
Classification: Pathogenic. Last evaluated: 2024-03-13. Review status: criteria provided, single submitter. Criteria: GeneDx Variant Classification Process June 2021. Collection method: clinical testing. Allele origin: germline. Affected: yes.
Comment: Nonsense variant predicted to result in protein truncation or nonsense mediated decay in a gene for which loss of function is a known mechanism of disease; Not observed at significant frequency in large population cohorts (gnomAD); This variant is associated with the following publications: (PMID: 25525159, 34599368, 26188103, 34652575, 18381613, 37677959, 19461658)

Department of Pathology and Laboratory Medicine, Sinai Health System
Classification: Pathogenic for Autosomal recessive nonsyndromic hearing loss 9. Last evaluated: 2022-04-13. Review status: criteria provided, single submitter. Criteria: ACMG Guidelines, 2015. Collection method: research. Allele origin: germline.

Juno Genomics, Hangzhou Juno Genomics, Inc
Classification: Likely pathogenic for Autosomal recessive nonsyndromic hearing loss 9. Review status: criteria provided, single submitter. Criteria: ACMG Guidelines, 2015. Collection method: clinical testing. Allele origin: germline.
Comment: Null variant in a gene where loss of function (LOF) is a known mechanism of disease.;For recessive disorders, detected in trans with a pathogenic variant.

Laboratory of Human Genetics, Institute of Biosciences - University of Sao Paulo
Classification: Pathogenic for Bilateral sensorineural hearing impairment. Review status: criteria provided, single submitter. Criteria: ClinGen HL ACMG Specifications v1. Collection method: research. Allele origin: germline. Affected: yes. Observed: 1 homozygote. Segregation with disease observed.
Comment: The c.3400C>T variant was found in homozygosis in a subjetvt with non-syndromic auditory neuropathy and leads to a premature stop codon, a common mutational mechanism in OTOF

Laboratory of Molecular, Cellular and Translation Genetics in Otolaryngology/ Lim32-hcfmusp, University of Sao Paulo School of Medicine Clinics Hospital
Classification: Pathogenic for Autosomal recessive nonsyndromic hearing loss 9. Review status: criteria provided, single submitter. Criteria: ClinGen HL ACMG Specifications v1. Collection method: research. Allele origin: germline. Inheritance: Autosomal recessive inheritance. Affected: yes. Observed: 2 variant alleles, 2 compound heterozygotes. Clinical features observed: Prelingual sensorineural hearing impairment (HP:0000399).
Comment: in compound heterozygosis with the c.3049C>A variant in two siblings with bilateral non-syndromic prelingual auditory neuropathy (familial)

Diagnosis and Treatment Center of Genetic Hearing Loss, Eye & ENT Hospital of Fudan University
Classification: Pathogenic for Autosomal recessive nonsyndromic hearing loss 9. Last evaluated: 2026-02-04. Review status: no assertion criteria provided. Collection method: clinical testing. Allele origin: germline. Inheritance: Autosomal recessive inheritance. Affected: yes. Not counted in ClinVar's aggregate classification.
Comment: The c.3400C>T nonsense variant in OTOF leads to a premature stop codon and predicted NMD (PVS1). The maximum population frequency is 0.000032 (PM2_Supporting). It has been reported in at least three patients: one in trans with a likely pathogenic variant (c.[3400C>T];[5217G>A]), one in trans with a VUS (c.[3400C>T];[765G>T]), and one homozygous (PM3). The phenotype is consistent with auditory neuropathy (PP4).

GeneReviews
No classification provided. Condition: Autosomal recessive nonsyndromic hearing loss 9. Review status: no classification provided. Collection method: literature only. Allele origin: unknown. Not counted in ClinVar's aggregate classification.

Literature cited by the submitters: PubMed 18381613 (cited by 3 submitters); PubMed 19250381 (cited by Labcorp Genetics (formerly Invitae), Labcorp); PubMed 22575033 (cited by Labcorp Genetics (formerly Invitae), Labcorp); PubMed 26188103 (cited by Labcorp Genetics (formerly Invitae), Labcorp and Diagnosis and Treatment Center of Genetic Hearing Loss, Eye & ENT Hospital of Fudan University); PubMed 34652575 (cited by Laboratory of Human Genetics, Institute of Biosciences - University of Sao Paulo); PubMed 19461658 (cited by Laboratory of Human Genetics, Institute of Biosciences - University of Sao Paulo and Diagnosis and Treatment Center of Genetic Hearing Loss, Eye & ENT Hospital of Fudan University); PubMed 34599368 (cited by Laboratory of Molecular, Cellular and Translation Genetics in Otolaryngology/ Lim32-hcfmusp, University of Sao Paulo School of Medicine Clinics Hospital); PubMed 20301429 (cited by GeneReviews); NCBI Bookshelf NBK1251 (cited by GeneReviews).